The following is an entry in ClinVar:

NM_000321.3(RB1):c.1669A>G (p.Ile557Val)

Gene: RB1 (RB transcriptional corepressor 1; plus strand). Cytogenetic location: 13q14.2.
Variant type: single nucleotide variant.
Coding change: c.1669A>G on transcript NM_000321.3 (MANE Select); coding-DNA position 1669, A replaced by G.
Protein change: p.Ile557Val; replaces isoleucine 557 with valine.
Molecular consequence: missense variant.
Genome position (GRCh38, 1-based): chr13:48,381,417, A>G. VCF-style: chr13-48381417-A-G. GRCh37 (hg19) VCF-style: chr13-48955553-A-G.
Other names: c.1669A>G (NM_000321.2); short protein forms I557V.
Identifiers: ClinVar variation 1499686 (VCV001499686.7), dbSNP rs1948534909, ClinGen allele CA388164000.

ClinVar aggregate classification (germline): Uncertain significance. Review status: criteria provided, multiple submitters, no conflicts (2 of 4 stars). 2 submissions from 2 submitters: Uncertain significance (2). Last evaluated 2025-09-02.

Conditions:
Hereditary cancer-predisposing syndrome. Also called: Tumor predisposition; Hereditary neoplastic syndrome; Neoplastic Syndromes, Hereditary; Hereditary Cancer Syndrome. Identifiers: Orphanet 140162, MedGen C0027672, MeSH D009386, MONDO:0015356.
Retinoblastoma (RB1). Also called: RETINOBLASTOMA, SOMATIC. Identifiers: Orphanet 790, MedGen C0035335, MeSH D012175, MONDO:0008380, OMIM 180200, HP:0009919. Disease mechanism: loss of function. Inheritance: Both sporadic and heritable forms are tested..

gnomAD v4.1: 5 of 1,613,722 alleles (0.00031%); highest among the groups gnomAD compares: Non-Finnish European, 0.00042%; no homozygotes.

Submissions (2):

Labcorp Genetics (formerly Invitae), Labcorp
Classification: Uncertain significance for Retinoblastoma. Last evaluated: 2025-09-02. Review status: criteria provided, single submitter. Criteria: Invitae Variant Classification Sherloc (09022015). Collection method: clinical testing. Allele origin: germline.
Comment: This sequence change replaces isoleucine, which is neutral and non-polar, with valine, which is neutral and non-polar, at codon 557 of the RB1 protein (p.Ile557Val). This variant is not present in population databases (gnomAD no frequency). This variant has not been reported in the literature in individuals affected with RB1-related conditions. ClinVar contains an entry for this variant (Variation ID: 1499686). Invitae Evidence Modeling of protein sequence and biophysical properties (such as structural, functional, and spatial information, amino acid conservation, physicochemical variation, residue mobility, and thermodynamic stability) indicates that this missense variant is not expected to disrupt RB1 protein function with a negative predictive value of 80%. In summary, the available evidence is currently insufficient to determine the role of this variant in disease. Therefore, it has been classified as a Variant of Uncertain Significance.

Ambry Genetics
Classification: Uncertain significance for Hereditary cancer-predisposing syndrome. Last evaluated: 2024-03-05. Review status: criteria provided, single submitter. Criteria: Ambry Variant Classification Scheme 2023. Collection method: clinical testing. Allele origin: germline.
Comment: The p.I557V variant (also known as c.1669A>G), located in coding exon 17 of the RB1 gene, results from an A to G substitution at nucleotide position 1669. The isoleucine at codon 557 is replaced by valine, an amino acid with highly similar properties. This amino acid position is conserved. In addition, this alteration is predicted to be deleterious by in silico analysis. Based on the available evidence, the clinical significance of this alteration remains unclear.